The following is an entry in ClinVar:

ClinVar aggregate classification (germline): Benign/Likely benign. Review status: criteria provided, multiple submitters, no conflicts (2 of 4 stars). 7 submissions from 7 submitters: Benign (4); Likely benign (3). Last evaluated 2026-02-04.

Allele frequency attached by ClinVar (database versions not stated): TOPMed 0.03575; gnomAD 0.03591 and 0.03530; ESP Exome Variant Server 0.03729; 1000 Genomes Project 30x 0.02155; 1000 Genomes Project 0.02157; ExAC 0.03157.
gnomAD v4.1: 62,585 of 1,614,016 alleles (3.9%); highest among the groups gnomAD compares: Non-Finnish European, 4.2%; 1,401 homozygotes.

Submissions (7):

Labcorp Genetics (formerly Invitae), Labcorp
Classification: Benign. Last evaluated: 2026-02-04. Review status: criteria provided, single submitter. Criteria: Invitae Variant Classification Sherloc (09022015). Collection method: clinical testing. Allele origin: germline.

Blueprint Genetics
Classification: Likely benign. Last evaluated: 2024-11-28. Review status: criteria provided, single submitter. Criteria: ACMG Guidelines, 2015. Collection method: clinical testing. Allele origin: germline.

Mayo Clinic Laboratories, Mayo Clinic
Classification: Benign. Last evaluated: 2023-09-10. Review status: criteria provided, single submitter. Criteria: ACMG Guidelines, 2015. Collection method: clinical testing. Allele origin: germline. Observed: 46 variant alleles.

GeneDx
Classification: Likely benign. Last evaluated: 2021-10-22. Review status: criteria provided, single submitter. Criteria: GeneDx Variant Classification Process June 2021. Collection method: clinical testing. Allele origin: germline. Affected: yes.

Laboratory for Molecular Medicine, Mass General Brigham Personalized Medicine
Classification: Benign. Last evaluated: 2013-02-21. Review status: criteria provided, single submitter. Criteria: LMM Criteria. Collection method: clinical testing. Allele origin: germline. Observed: 4 variant alleles.
Comment: Ser186Ser in exon 7 of HPS4: This variant is not expected to have clinical signi ficance because it does not alter an amino acid residue and is not located withi n the splice consensus sequence. It has been identified in 4.3% (367/8600) of Eu ropean American chromosomes from a broad population by the NHLBI Exome Sequencin g Project (dbSNP rs13054747).

Breakthrough Genomics
Classification: Likely benign. Review status: criteria provided, single submitter. Criteria: ACMG Guidelines, 2015. Collection method: not provided. Allele origin: germline. Inheritance: Autosomal recessive inheritance. Affected: yes.

PreventionGenetics, part of Exact Sciences
Classification: Benign. Review status: criteria provided, single submitter. Criteria: ACMG Guidelines, 2015. Collection method: clinical testing. Allele origin: germline.

NM_022081.6(HPS4):c.558G>A (p.Ser186=)

Gene: HPS4 (HPS4 biogenesis of lysosomal organelles complex 3 subunit 2; minus strand). Cytogenetic location: 22q12.1.
Variant type: single nucleotide variant.
Coding change: c.558G>A on transcript NM_022081.6 (MANE Select); coding-DNA position 558, G replaced by A.
Protein change: p.Ser186=; no amino-acid change (serine 186 retained).
Molecular consequence: synonymous variant. On other transcripts: non-coding transcript variant (8).
Genome position (GRCh38, 1-based): chr22:26,470,757, C>T on the plus strand (G>A on the coding strand, the complement: HPS4 is on the minus strand). VCF-style: chr22-26470757-C-T. GRCh37 (hg19) VCF-style: chr22-26866723-C-T.
Other names: p.Ser186=; c.558G>A, p.Ser186= (NM_001349896.1, NM_001349898.2, NM_001349899.2 and 6 more transcripts); c.543G>A, p.Ser181= (NM_152841.2).
Identifiers: ClinVar variation 163675 (VCV000163675.23), dbSNP rs13054747, ClinGen allele CA176323.
Genomic context (GRCh38, chr22:26,470,757, plus strand): 5'-AAAGGGGTCTGGAGTTACTCACAGTCCTTTATAGAGGATGCAGCCAGCGAGAATGTGAGG[C>T]GAGCGCTGGCAGGTCTGCAGAATGCGGGCTGCCTTCAGCAACAACAGGGGCTCCACCTGT-3'
Protein context (NP_071364.4, residues 176-196): AARILQTCQR[Ser186=]PHILAGCILY